The following is an entry in ClinVar:

NM_006904.7(PRKDC):c.96T>G (p.His32Gln)

Genes: PRKDC (protein kinase, DNA-activated, catalytic subunit; minus strand), LOC129929030 (ATAC-STARR-seq lymphoblastoid silent region 19177; plus strand). Cytogenetic location: 8q11.21.
Variant type: single nucleotide variant.
Coding change: c.96T>G on transcript NM_006904.7 (MANE Select); coding-DNA position 96, T replaced by G.
Protein change: p.His32Gln; replaces histidine 32 with glutamine.
Molecular consequence: missense variant.
Genome position (GRCh38, 1-based): chr8:47,960,031, A>C on the plus strand (T>G on the coding strand, the complement: PRKDC is on the minus strand). VCF-style: chr8-47960031-A-C. GRCh37 (hg19) VCF-style: chr8-48872591-A-C.
Other names: c.96T>G, p.His32Gln (NM_001081640.2); short protein forms H32Q.
Identifiers: ClinVar variation 1767915 (VCV001767915.2), dbSNP rs1430635373, ClinGen allele CA371142812.
Genomic context (GRCh38, chr8:47,960,031, plus strand): 5'-ACCCAGCACCGCGGGGCTGCTGCTCAGGACGCATTCCTGCCCCAGGCCGCGGATCAGTTG[A>C]TGACCGGCCAGGGCAGCACCGCAGCGGTCCGCAGCGGACAAGGTCTCCTGCAGCCGCAGC-3'
Protein context (NP_008835.5, residues 22-42): ADRCGAALAG[His32Gln]QLIRGLGQEC

ClinVar aggregate classification (germline): Uncertain significance (1 of 4 stars; one submission).

Submission:

Ambry Genetics
Classification: Uncertain significance. Last evaluated: 2022-03-12. Review status: criteria provided, single submitter. Criteria: Ambry Variant Classification Scheme 2023. Collection method: clinical testing. Allele origin: germline.
Comment: The p.H32Q variant (also known as c.96T>G), located in coding exon 1 of the PRKDC gene, results from a T to G substitution at nucleotide position 96. The histidine at codon 32 is replaced by glutamine, an amino acid with highly similar properties. This amino acid position is conserved. In addition, this alteration is predicted to be tolerated by in silico analysis. Since supporting evidence is limited at this time, the clinical significance of this alteration remains unclear.